The following is an entry in ClinVar:

ClinVar aggregate classification (germline): Uncertain significance (1 of 4 stars; one submission).

Conditions:
Familial adenomatous polyposis 1 (FAP1). Also called: POLYPOSIS, ADENOMATOUS INTESTINAL; FAMILIAL ADENOMATOUS POLYPOSIS 1, ATTENUATED. Identifiers: MedGen C2713442, MONDO:0021056, OMIM 175100. Disease mechanism: loss of function.

Submission:

Labcorp Genetics (formerly Invitae), Labcorp
Classification: Uncertain significance for Familial adenomatous polyposis 1. Last evaluated: 2019-07-13. Review status: criteria provided, single submitter. Criteria: Invitae Variant Classification Sherloc (09022015). Collection method: clinical testing. Allele origin: germline.
Comment: In summary, the available evidence is currently insufficient to determine the role of this variant in disease. Therefore, it has been classified as a Variant of Uncertain Significance. This sequence change replaces aspartic acid with valine at codon 326 of the APC protein (p.Asp326Val). The aspartic acid residue is highly conserved and there is a large physicochemical difference between aspartic acid and valine. This variant is not present in population databases (ExAC no frequency). This variant has not been reported in the literature in individuals with APC-related disease. Algorithms developed to predict the effect of missense changes on protein structure and function do not agree on the potential impact of this missense change (SIFT: "Deleterious"; PolyPhen-2: "Probably Damaging"; Align-GVGD: "Class C15").

NM_000038.6(APC):c.977A>T (p.Asp326Val)

Gene: APC (APC regulator of Wnt signaling pathway; plus strand). Cytogenetic location: 5q22.2.
Variant type: single nucleotide variant.
Coding change: c.977A>T on transcript NM_000038.6 (MANE Select); coding-DNA position 977, A replaced by T.
Protein change: p.Asp326Val; replaces aspartic acid 326 with valine.
Molecular consequence: missense variant. On other transcripts: intron variant (4).
Genome position (GRCh38, 1-based): chr5:112,819,009, A>T. VCF-style: chr5-112819009-A-T. GRCh37 (hg19) VCF-style: chr5-112154706-A-T.
Other names: c.977A>T, p.Asp326Val (NM_001127510.3, NM_001354895.2, NM_001354896.2); c.923A>T, p.Asp308Val (NM_001127511.3); c.1007A>T, p.Asp336Val (NM_001354897.2); c.902A>T, p.Asp301Val (NM_001354898.2); c.893A>T, p.Asp298Val (NM_001354899.2); c.800A>T, p.Asp267Val (NM_001354900.2, NM_001354901.2); c.128A>T, p.Asp43Val (NM_001354906.2); c.964-260A>T (NM_001354902.2); and 3 more; short protein forms D326V, D308V, D267V, D298V, D301V, D336V, D43V.
Identifiers: ClinVar variation 572691 (VCV000572691.12), dbSNP rs1561540626, ClinGen allele CA16023449.